The following is an entry in ClinVar:

ClinVar aggregate classification (germline): Uncertain significance (1 of 4 stars; one submission).

Allele frequency attached by ClinVar (database versions not stated): TOPMed below 0.00001; gnomAD exomes 0.00002; ExAC 0.00003.
gnomAD v4.1: 29 of 1,613,980 alleles (0.0018%); highest among the groups gnomAD compares: South Asian, 0.032%; 1 homozygote.

Submission:

Labcorp Genetics (formerly Invitae), Labcorp
Classification: Uncertain significance. Last evaluated: 2023-11-07. Review status: criteria provided, single submitter. Criteria: Invitae Variant Classification Sherloc (09022015). Collection method: clinical testing. Allele origin: germline.
Comment: This sequence change replaces cysteine, which is neutral and slightly polar, with arginine, which is basic and polar, at codon 1248 of the NBAS protein (p.Cys1248Arg). This variant is present in population databases (rs774438316, gnomAD 0.02%). This variant has not been reported in the literature in individuals affected with NBAS-related conditions. Advanced modeling of protein sequence and biophysical properties (such as structural, functional, and spatial information, amino acid conservation, physicochemical variation, residue mobility, and thermodynamic stability) has been performed at Invitae for this missense variant, however the output from this modeling did not meet the statistical confidence thresholds required to predict the impact of this variant on NBAS protein function. In summary, the available evidence is currently insufficient to determine the role of this variant in disease. Therefore, it has been classified as a Variant of Uncertain Significance.

NM_015909.4(NBAS):c.3742T>C (p.Cys1248Arg)

Gene: NBAS (NBAS subunit of NRZ tethering complex; minus strand). Cytogenetic location: 2p24.3.
Variant type: single nucleotide variant.
Coding change: c.3742T>C on transcript NM_015909.4 (MANE Select); coding-DNA position 3742, T replaced by C.
Protein change: p.Cys1248Arg; replaces cysteine 1248 with arginine.
Molecular consequence: missense variant. On other transcripts: non-coding transcript variant (1).
Genome position (GRCh38, 1-based): chr2:15,366,655, A>G on the plus strand (T>C on the coding strand, the complement: NBAS is on the minus strand). VCF-style: chr2-15366655-A-G. GRCh37 (hg19) VCF-style: chr2-15506779-A-G.
Other names: short protein forms C1248R.
Identifiers: ClinVar variation 2877549 (VCV002877549.2), dbSNP rs774438316, ClinGen allele CA1535922.